The following is an entry in ClinVar:

ClinVar aggregate classification (germline): Likely benign (0 of 4 stars; one submission).

Conditions:
CACNA1I-related disorder. Also called: CACNA1I-related condition.

Allele frequency attached by ClinVar (database versions not stated): 1000 Genomes Project 30x 0.00109; 1000 Genomes Project 0.00120.
gnomAD v4.1: 179 of 1,595,240 alleles (0.011%); highest among the groups gnomAD compares: African/African-American, 0.2%; no homozygotes.

Submission:

PreventionGenetics, part of Exact Sciences
Classification: Likely benign for CACNA1I-related condition. Last evaluated: 2019-05-20. Review status: no assertion criteria provided. Collection method: clinical testing. Allele origin: germline.
Comment: This variant is classified as likely benign based on ACMG/AMP sequence variant interpretation guidelines (Richards et al. 2015 PMID: 25741868, with internal and published modifications).

NM_021096.4(CACNA1I):c.1287C>T (p.Ala429=)

Gene: CACNA1I (calcium voltage-gated channel subunit alpha1 I; plus strand). Cytogenetic location: 22q13.1.
Variant type: single nucleotide variant.
Coding change: c.1287C>T on transcript NM_021096.4 (MANE Select); coding-DNA position 1287, C replaced by T.
Protein change: p.Ala429=; no amino-acid change (alanine 429 retained).
Molecular consequence: synonymous variant.
Genome position (GRCh38, 1-based): chr22:39,646,706, C>T. VCF-style: chr22-39646706-C-T. GRCh37 (hg19) VCF-style: chr22-40042711-C-T.
Other names: c.1287C>T, p.Ala429= (NM_001003406.2).
Identifiers: ClinVar variation 3038539 (VCV003038539.2), dbSNP rs148142625, ClinGen allele CA10243805.
Genomic context (GRCh38, chr22:39,646,706, plus strand): 5'-CCGGCTGATGCTGGAGCAGCGGCAGCGCTACCTGTCCTCCAGCACGGTGGCCAGCTACGC[C>T]GAGCCTGGCGACTGCTACGAGGAGATCTTCCAGTATGTCTGCCACATCCTGCGCAAGGCC-3'
Protein context (NP_066919.2, residues 419-439): YLSSSTVASY[Ala429=]EPGDCYEEIF